The following is an entry in ClinVar:

ClinVar aggregate classification (germline): Uncertain significance (1 of 4 stars; one submission).

gnomAD v4.1: 1 of 1,550,864 alleles (0.000064%); highest among the groups gnomAD compares: Non-Finnish European, 0.000087%; no homozygotes.

Submission:

GeneDx
Classification: Uncertain significance. Last evaluated: 2025-03-17. Review status: criteria provided, single submitter. Criteria: GeneDx Variant Classification Process June 2021. Collection method: clinical testing. Allele origin: germline. Affected: yes.
Comment: Not observed at significant frequency in large population cohorts (gnomAD); In silico analysis supports that this missense variant has a deleterious effect on protein structure/function; Has not been previously published as pathogenic or benign to our knowledge

NM_001353345.2(SETD1B):c.1036T>C (p.Phe346Leu)

Gene: SETD1B (SET domain containing 1B, histone lysine methyltransferase; plus strand). Cytogenetic location: 12q24.31.
Variant type: single nucleotide variant.
Coding change: c.1036T>C on transcript NM_001353345.2 (MANE Select); coding-DNA position 1036, T replaced by C.
Protein change: p.Phe346Leu; replaces phenylalanine 346 with leucine.
Molecular consequence: missense variant.
Genome position (GRCh38, 1-based): chr12:121,809,981, T>C. VCF-style: chr12-121809981-T-C. GRCh37 (hg19) VCF-style: chr12-122247887-T-C.
Other names: short protein forms F346L.
Identifiers: ClinVar variation 4086738 (VCV004086738.1).